The following is an entry in ClinVar:

NM_024854.5(PYROXD1):c.644C>A (p.Thr215Asn)

Gene: PYROXD1 (pyridine nucleotide-disulphide oxidoreductase domain 1; plus strand). Cytogenetic location: 12p12.1.
Variant type: single nucleotide variant.
Coding change: c.644C>A on transcript NM_024854.5 (MANE Select); coding-DNA position 644, C replaced by A.
Protein change: p.Thr215Asn; replaces threonine 215 with asparagine.
Molecular consequence: missense variant. On other transcripts: 5 prime UTR variant (1).
Genome position (GRCh38, 1-based): chr12:21,455,287, C>A. VCF-style: chr12-21455287-C-A. GRCh37 (hg19) VCF-style: chr12-21608221-C-A.
Other names: c.431C>A, p.Thr144Asn (NM_001350912.2); c.-134C>A (NM_001350913.2); short protein forms T144N, T215N.
Identifiers: ClinVar variation 1915541 (VCV001915541.3), dbSNP rs769593817, ClinGen allele CA6478272.

ClinVar aggregate classification (germline): Uncertain significance (1 of 4 stars; one submission).

Allele frequency attached by ClinVar (database versions not stated): gnomAD 0.00005; TOPMed 0.00005.
gnomAD v4.1: 13 of 1,547,048 alleles (0.00084%); highest among the groups gnomAD compares: African/African-American, 0.017%; no homozygotes.

Submission:

Labcorp Genetics (formerly Invitae), Labcorp
Classification: Uncertain significance. Last evaluated: 2023-09-22. Review status: criteria provided, single submitter. Criteria: Invitae Variant Classification Sherloc (09022015). Collection method: clinical testing. Allele origin: germline.
Comment: This sequence change replaces threonine, which is neutral and polar, with asparagine, which is neutral and polar, at codon 215 of the PYROXD1 protein (p.Thr215Asn). The frequency data for this variant in the population databases is considered unreliable, as metrics indicate poor data quality at this position in the gnomAD database. This variant has not been reported in the literature in individuals affected with PYROXD1-related conditions. ClinVar contains an entry for this variant (Variation ID: 1915541). Advanced modeling of protein sequence and biophysical properties (such as structural, functional, and spatial information, amino acid conservation, physicochemical variation, residue mobility, and thermodynamic stability) performed at Invitae indicates that this missense variant is not expected to disrupt PYROXD1 protein function. In summary, the available evidence is currently insufficient to determine the role of this variant in disease. Therefore, it has been classified as a Variant of Uncertain Significance.